The following is an entry in ClinVar:

ClinVar aggregate classification (germline): Uncertain significance (1 of 4 stars; one submission).

Conditions:
Hypertrophic cardiomyopathy. Also called: HYPERTROPHIC MYOCARDIOPATHY. Identifiers: Orphanet 217569, MedGen C0007194, MeSH D002312, MONDO:0005045, HP:0001639.

Submission:

Labcorp Genetics (formerly Invitae), Labcorp
Classification: Uncertain significance for Hypertrophic cardiomyopathy. Last evaluated: 2025-12-16. Review status: criteria provided, single submitter. Criteria: Invitae Variant Classification Sherloc (09022015). Collection method: clinical testing. Allele origin: germline.
Comment: This sequence change replaces proline, which is neutral and non-polar, with serine, which is neutral and polar, at codon 599 of the JPH2 protein (p.Pro599Ser). This variant is not present in population databases (gnomAD no frequency). This variant has not been reported in the literature in individuals affected with JPH2-related conditions. ClinVar contains an entry for this variant (Variation ID: 2813618). An algorithm developed to predict the effect of missense changes on protein structure and function (PolyPhen-2) suggests that this variant is likely to be tolerated. In summary, the available evidence is currently insufficient to determine the role of this variant in disease. Therefore, it has been classified as a Variant of Uncertain Significance.

NM_020433.5(JPH2):c.1795C>T (p.Pro599Ser)

Gene: JPH2 (junctophilin 2; minus strand). Cytogenetic location: 20q13.12.
Variant type: single nucleotide variant.
Coding change: c.1795C>T on transcript NM_020433.5 (MANE Select); coding-DNA position 1795, C replaced by T.
Protein change: p.Pro599Ser; replaces proline 599 with serine.
Molecular consequence: missense variant.
Genome position (GRCh38, 1-based): chr20:44,115,880, G>A on the plus strand (C>T on the coding strand, the complement: JPH2 is on the minus strand). VCF-style: chr20-44115880-G-A. GRCh37 (hg19) VCF-style: chr20-42744520-G-A.
Other names: short protein forms P599S.
Identifiers: ClinVar variation 2813618 (VCV002813618.3), dbSNP rs745811880, ClinGen allele CA409099912.